The following is an entry in ClinVar:

NM_152383.5(DIS3L2):c.1028A>G (p.Asp343Gly)

Gene: DIS3L2 (DIS3 like 3'-5' exoribonuclease 2; plus strand). Cytogenetic location: 2q37.1.
Variant type: single nucleotide variant.
Coding change: c.1028A>G on transcript NM_152383.5 (MANE Select); coding-DNA position 1028, A replaced by G.
Protein change: p.Asp343Gly; replaces aspartic acid 343 with glycine.
Molecular consequence: missense variant. On other transcripts: non-coding transcript variant (2).
Genome position (GRCh38, 1-based): chr2:232,163,536, A>G. VCF-style: chr2-232163536-A-G. GRCh37 (hg19) VCF-style: chr2-233028246-A-G.
Other names: c.1028A>G, p.Asp343Gly (NM_001257281.2); short protein forms D343G.
Identifiers: ClinVar variation 1480187 (VCV001480187.8), dbSNP rs2106377188, ClinGen allele CA351154322.

ClinVar aggregate classification (germline): Uncertain significance (1 of 4 stars; one submission).

Conditions:
Perlman syndrome (PRLMNS). Identifiers: Orphanet 2849, MedGen C0796113, MONDO:0009965, OMIM 267000.

Submission:

Labcorp Genetics (formerly Invitae), Labcorp
Classification: Uncertain significance for Perlman syndrome. Last evaluated: 2022-02-20. Review status: criteria provided, single submitter. Criteria: Invitae Variant Classification Sherloc (09022015). Collection method: clinical testing. Allele origin: germline.
Comment: In summary, the available evidence is currently insufficient to determine the role of this variant in disease. Therefore, it has been classified as a Variant of Uncertain Significance. Algorithms developed to predict the effect of missense changes on protein structure and function are either unavailable or do not agree on the potential impact of this missense change (SIFT: "Deleterious"; PolyPhen-2: "Probably Damaging"; Align-GVGD: "Class C0"). This variant has not been reported in the literature in individuals affected with DIS3L2-related conditions. This variant is not present in population databases (gnomAD no frequency). This sequence change replaces aspartic acid, which is acidic and polar, with glycine, which is neutral and non-polar, at codon 343 of the DIS3L2 protein (p.Asp343Gly).